The following is an entry in ClinVar:

ClinVar aggregate classification (germline): Pathogenic. Review status: criteria provided, multiple submitters, no conflicts (2 of 4 stars). 7 submissions from 7 submitters: Pathogenic (7). Last evaluated 2025-10-28.

Conditions:
Progressive external ophthalmoplegia with mitochondrial DNA deletions, autosomal dominant 1 (PEOA1). Also called: PROGRESSIVE EXTERNAL OPHTHALMOPLEGIA, AUTOSOMAL DOMINANT 1; Autosomal Dominant Progressive External Ophthalmoplegia (adPEO). Identifiers: MedGen C1834846, MONDO:0024528, OMIM 157640.
Progressive external ophthalmoplegia with mitochondrial DNA deletions, autosomal recessive 1 (PEOB1). Also called: Progressive external ophthalmoplegia, autosomal recessive 1; Autosomal Recessive Progressive External Ophthalmoplegia (arPEO). Identifiers: Orphanet 254886, MedGen C4225153, MONDO:0009783, OMIM 258450.
Progressive sclerosing poliodystrophy (MTDPS4A). Also called: Mitochondrial DNA Depletion Syndrome 4A; ALPERS PROGRESSIVE INFANTILE POLIODYSTROPHY; Alpers Syndrome; Mitochondrial DNA depletion syndrome 4A (Alpers type); Alpers-Huttenlocher Syndrome (AHS); ALPERS DIFFUSE DEGENERATION OF CEREBRAL GRAY MATTER WITH HEPATIC CIRRHOSIS. Identifiers: Orphanet 726, MedGen C0205710, MONDO:0008758, OMIM 203700.
Sensory ataxic neuropathy, dysarthria, and ophthalmoparesis (SANDO). Also called: Epilepsy, progressive myoclonic, type 5; SENSORY ATAXIC NEUROPATHY WITH MITOCHONDRIAL DNA DELETIONS, AUTOSOMAL RECESSIVE; Ataxia Neuropathy Spectrum (ANS); Sensory ataxic neuropathy-dysarthria-ophthalmoparesis syndrome. Identifiers: Orphanet 70595, MedGen C1843851, MONDO:0011835, OMIM 607459.
Mitochondrial DNA depletion syndrome 4b. Also called: Mitochondrial Neurogastrointestinal Encephalopathy Disease, POLG-Related; MNGIE, POLG-RELATED. Identifiers: Orphanet 298, MedGen C3150914, MONDO:0013350, OMIM 613662.
POLG-related disorder. Also called: POLG-Related Spectrum Disorders; POLG-related condition; POLG-Related Disorders. Identifiers: MedGen C4763519.

Submissions (7):

Women's Health and Genetics/Laboratory Corporation of America, LabCorp
Classification: Pathogenic for POLG-related disorder. Last evaluated: 2025-10-28. Review status: criteria provided, single submitter. Criteria: LabCorp Variant Classification Summary - May 2015. Collection method: clinical testing. Allele origin: germline.
Comment: Variant summary: POLG c.2125C>T (p.Arg709X) results in a premature termination codon, predicted to cause a truncation of the encoded protein or absence of the protein due to nonsense mediated decay, which are commonly known mechanisms for disease. The variant was absent in 251454 control chromosomes. c.2125C>T has been observed in individual(s) affected with POLG-Related Spectrum Disorders (e.g. Fonzo_2003). To our knowledge, no experimental evidence demonstrating an impact on protein function has been reported. The following publication have been ascertained in the context of this evaluation (PMID: 14635118). ClinVar contains an entry for this variant (Variation ID: 381519). Based on the evidence outlined above, the variant was classified as pathogenic.

GeneDx
Classification: Pathogenic. Last evaluated: 2025-07-03. Review status: criteria provided, single submitter. Criteria: GeneDx Variant Classification Process June 2021. Collection method: clinical testing. Allele origin: germline. Affected: yes.
Comment: Not observed at significant frequency in large population cohorts (gnomAD); Nonsense variant predicted to result in protein truncation or nonsense mediated decay in a gene for which loss of function is a known mechanism of disease; This variant is associated with the following publications: (PMID: 25525159, 19501198, 14557557, 14635118)

PreventionGenetics, part of Exact Sciences
Classification: Pathogenic for POLG-related condition. Last evaluated: 2024-12-13. Review status: criteria provided, single submitter. Criteria: ACMG Guidelines, 2015. Collection method: clinical testing. Allele origin: germline.
Comment: The POLG c.2125C>T variant is predicted to result in premature protein termination (p.Arg709*). This variant was reported in the biallelic state in patients with POLG-related disease (Patient D18 in Papandreou et al. 2018. PubMed ID: 30167885; Di Fonzo et al. 2003. PubMed ID: 14635118). This variant has not been reported in a large population database (gnomAD), indicating this variant is rare. Nonsense variants in POLG are expected to be pathogenic. This variant is interpreted as pathogenic.

Myriad Genetics, Inc.
Classification: Pathogenic for POLG-related disorder. Last evaluated: 2024-08-28. Review status: criteria provided, single submitter. Criteria: Myriad Autosomal Dominant, Autosomal Recessive and X-Linked Classification Criteria (2023). Collection method: clinical testing. Allele origin: unknown.
Comment: NM_002693.2(POLG):c.2125C>T(R709*) is expected to be pathogenic in the context of POLG-related disorders. This variant is predicted to lead to an abnormal or absent protein product due to the creation of a premature termination codon in POLG, a gene where loss-of-function variants are known to be pathogenic. Please note: this variant was assessed in the context of healthy population screening.

Labcorp Genetics (formerly Invitae), Labcorp
Classification: Pathogenic for Progressive sclerosing poliodystrophy. Last evaluated: 2024-08-21. Review status: criteria provided, single submitter. Criteria: Invitae Variant Classification Sherloc (09022015). Collection method: clinical testing. Allele origin: germline.
Comment: This sequence change creates a premature translational stop signal (p.Arg709*) in the POLG gene. It is expected to result in an absent or disrupted protein product. Loss-of-function variants in POLG are known to be pathogenic (PMID: 18546365). This variant is not present in population databases (gnomAD no frequency). This premature translational stop signal has been observed in individual(s) with POLG-related conditions (PMID: 14635118, 30167885). ClinVar contains an entry for this variant (Variation ID: 381519). For these reasons, this variant has been classified as Pathogenic.

Fulgent Genetics
Classification: Pathogenic for Progressive external ophthalmoplegia with mitochondrial DNA deletions, autosomal dominant 1; Progressive sclerosing poliodystrophy; Progressive external ophthalmoplegia with mitochondrial DNA deletions, autosomal recessive 1; Sensory ataxic neuropathy, dysarthria, and ophthalmoparesis; Mitochondrial DNA depletion syndrome 4b. Last evaluated: 2024-05-17. Review status: criteria provided, single submitter. Criteria: ACMG Guidelines, 2015. Collection method: clinical testing. Allele origin: germline.

Wong Mito Lab, Molecular and Human Genetics, Baylor College of Medicine
Classification: Pathogenic for Progressive sclerosing poliodystrophy. Last evaluated: 2018-10-01. Review status: criteria provided, single submitter. Criteria: ACMG Guidelines, 2015. Collection method: clinical testing. Allele origin: germline.
Comment: The NM_002693.2:c.2125C>T (NP_002684.1:p.Arg709Ter) [GRCH38: NC_000015.10:g.89323847G>A] variant in POLG gene is interpretated to be a Pathogenic based on ACMG guidelines (PMID: 25741868). This variant has been reported in PMID:14635118 . This variant meets the following evidence codes reported in the ACMG-guideline. PVS1:This variant is a predicted null variant in POLG where loss of function is a known mechanism of disease. PM2:This variant is absent in key population databases. PM3:Detected in trans with a pathogenic variant for Mitochondrial DNA depletion syndrome 4A (Alpers type) which is a recessive disorder. PM4:This variant causes alteration in the length of expressed protein. PP1:This variant is co-segregated with Mitochondrial DNA depletion syndrome 4A (Alpers type) in multiple affected family members. Based on the evidence criteria codes applied, the variant is suggested to be Pathogenic.

Literature cited by the submitters: PubMed 14635118 (cited by 3 submitters); PubMed 18546365 (cited by Labcorp Genetics (formerly Invitae), Labcorp); PubMed 30167885 (cited by Labcorp Genetics (formerly Invitae), Labcorp).

NM_002693.3(POLG):c.2125C>T (p.Arg709Ter)

Gene: POLG (DNA polymerase gamma, catalytic subunit; minus strand). Cytogenetic location: 15q26.1.
Variant type: single nucleotide variant.
Coding change: c.2125C>T on transcript NM_002693.3 (MANE Select); coding-DNA position 2125, C replaced by T.
Protein change: p.Arg709Ter; replaces arginine 709 with a stop codon.
Molecular consequence: nonsense.
Genome position (GRCh38, 1-based): chr15:89,323,847, G>A on the plus strand (C>T on the coding strand, the complement: POLG is on the minus strand). VCF-style: chr15-89323847-G-A. GRCh37 (hg19) VCF-style: chr15-89867078-G-A.
Other names: c.2125C>T, p.Arg709Ter (NM_001126131.2); short protein forms R709*.
Identifiers: ClinVar variation 381519 (VCV000381519.17), dbSNP rs867038717, ClinGen allele CA10602217.